The following is an entry in ClinVar:

ClinVar aggregate classification (germline): Uncertain significance. Review status: criteria provided, multiple submitters, no conflicts (2 of 4 stars). 2 submissions from 2 submitters: Uncertain significance (2). Last evaluated 2025-08-25.

Conditions:
Inborn genetic diseases. Identifiers: MedGen C0950123, MeSH D030342.

gnomAD v4.1: 1 of 1,612,490 alleles (0.000062%); highest among the groups gnomAD compares: South Asian, 0.0011%; no homozygotes.

Submissions (2):

Ambry Genetics
Classification: Uncertain significance for Inborn genetic diseases. Last evaluated: 2025-08-25. Review status: criteria provided, single submitter. Criteria: Ambry Variant Classification Scheme 2023. Collection method: clinical testing. Allele origin: germline.
Comment: The p.T1104P variant (also known as c.3310A>C), located in coding exon 31 of the RTEL1 gene, results from an A to C substitution at nucleotide position 3310. The threonine at codon 1104 is replaced by proline, an amino acid with highly similar properties. This amino acid position is conserved. In addition, the in silico prediction for this alteration is inconclusive. Based on the available evidence, the clinical significance of this variant remains unclear.

GeneDx
Classification: Uncertain significance. Last evaluated: 2021-05-26. Review status: criteria provided, single submitter. Criteria: GeneDx Variant Classification Process June 2021. Collection method: clinical testing. Allele origin: germline. Affected: yes.
Comment: Not observed at significant frequency in large population cohorts (Lek et al., 2016); In silico analysis supports that this missense variant has a deleterious effect on protein structure/function; In-silico analysis is inconclusive as to whether the variant alters gene splicing. In the absence of RNA/functional studies, the actual effect of this sequence change is unknown.; Has not been previously published as pathogenic or benign to our knowledge

NM_001283009.2(RTEL1):c.3310A>C (p.Thr1104Pro)

Genes: RTEL1 (regulator of telomere elongation helicase 1; plus strand), RTEL1-TNFRSF6B (RTEL1-TNFRSF6B readthrough (NMD candidate); plus strand). Cytogenetic location: 20q13.33.
Variant type: single nucleotide variant.
Coding change: c.3310A>C on transcript NM_001283009.2 (MANE Select); coding-DNA position 3310, A replaced by C.
Protein change: p.Thr1104Pro; replaces threonine 1104 with proline.
Molecular consequence: missense variant. On other transcripts: non-coding transcript variant (1).
Genome position (GRCh38, 1-based): chr20:63,694,941, A>C. VCF-style: chr20-63694941-A-C. GRCh37 (hg19) VCF-style: chr20-62326294-A-C.
Other names: c.2641A>C, p.Thr881Pro (NM_001283010.1); c.3310A>C, p.Thr1104Pro (NM_016434.4); c.3382A>C, p.Thr1128Pro (NM_032957.5); short protein forms T1104P, T1128P, T881P.
Identifiers: ClinVar variation 1326785 (VCV001326785.3), dbSNP rs762872907, ClinGen allele CA409685160.